The following is an entry in ClinVar:

NM_001393586.1(MYO7B):c.396G>A (p.Pro132=)

Genes: MYO7B (myosin VIIB; plus strand), LOC105373609 (uncharacterized LOC105373609; minus strand). Cytogenetic location: 2q14.3.
Variant type: single nucleotide variant.
Coding change: c.396G>A on transcript NM_001393586.1 (MANE Select); coding-DNA position 396, G replaced by A.
Protein change: p.Pro132=; no amino-acid change (proline 132 retained).
Molecular consequence: synonymous variant.
Genome position (GRCh38, 1-based): chr2:127,566,753, G>A. VCF-style: chr2-127566753-G-A. GRCh37 (hg19) VCF-style: chr2-128324328-G-A.
Other names: c.396G>A, p.Pro132= (NM_001080527.2).
Identifiers: ClinVar variation 789705 (VCV000789705.6), dbSNP rs115516718, ClinGen allele CA1860390.

ClinVar aggregate classification (germline): Benign. Review status: criteria provided, multiple submitters, no conflicts (2 of 4 stars). 3 submissions from 3 submitters: Benign (2). 1 of the submissions does not count toward it. Last evaluated 2017-08-08.

Conditions:
MYO7B-related disorder. Also called: MYO7B-related condition.

Allele frequency attached by ClinVar (database versions not stated): 1000 Genomes Project 0.00339; gnomAD 0.00341; ESP Exome Variant Server 0.00358; TOPMed 0.00364; 1000 Genomes Project 30x 0.00390.
gnomAD v4.1: 1,081 of 1,612,738 alleles (0.067%); highest among the groups gnomAD compares: African/African-American, 1.2%; 9 homozygotes.

Submissions (3):

Labcorp Genetics (formerly Invitae), Labcorp
Classification: Benign. Last evaluated: 2017-08-08. Review status: criteria provided, single submitter. Criteria: Invitae Variant Classification Sherloc (09022015). Collection method: clinical testing. Allele origin: germline.

Breakthrough Genomics
Classification: Benign. Review status: criteria provided, single submitter. Criteria: ACMG Guidelines, 2015. Collection method: not provided. Allele origin: germline. Inheritance: Unknown mechanism. Affected: yes.

PreventionGenetics, part of Exact Sciences
Classification: Benign for MYO7B-related condition. Last evaluated: 2019-03-12. Review status: no assertion criteria provided. Collection method: clinical testing. Allele origin: germline. Not counted in ClinVar's aggregate classification.
Comment: This variant is classified as benign based on ACMG/AMP sequence variant interpretation guidelines (Richards et al. 2015 PMID: 25741868, with internal and published modifications).